The following is an entry in ClinVar:

ClinVar aggregate classification (germline): Benign/Likely benign. Review status: criteria provided, multiple submitters, no conflicts (2 of 4 stars). 3 submissions from 3 submitters: Benign (1); Likely benign (2). Last evaluated 2018-11-12.

Conditions:
Autosomal recessive nonsyndromic hearing loss 8 (DFNB8). Also called: Deafness, autosomal recessive 10; NEUROSENSORY NONSYNDROMIC RECESSIVE DEAFNESS 8. Identifiers: Orphanet 90636, MedGen C1832827, MONDO:0010987, OMIM 601072.

Allele frequency attached by ClinVar (database versions not stated): gnomAD exomes 0.01173 and 0.02180; 1000 Genomes Project 30x 0.03873; gnomAD 0.00691 and 0.00894; 1000 Genomes Project 0.04113; ExAC 0.00689; TOPMed 0.01166.
gnomAD v4.1: 7,112 of 648,536 alleles (1.1%); highest among the groups gnomAD compares: East Asian, 14%; 383 homozygotes.

Submissions (3):

GeneDx
Classification: Benign. Last evaluated: 2018-11-12. Review status: criteria provided, single submitter. Criteria: GeneDx Variant Classification Process June 2021. Collection method: clinical testing. Allele origin: germline. Affected: yes.

Illumina Laboratory Services, Illumina
Classification: Likely benign for Autosomal recessive nonsyndromic hearing loss 8. Last evaluated: 2018-01-13. Review status: criteria provided, single submitter. Criteria: ICSL Variant Classification Criteria 13 December 2019. Collection method: clinical testing. Allele origin: germline.
Comment: This variant was observed in the ICSL laboratory as part of a predisposition screen in an ostensibly healthy population. It had not been previously curated by ICSL or reported in the Human Gene Mutation Database (HGMD: prior to June 1st, 2018), and was therefore a candidate for classification through an automated scoring system. Utilizing variant allele frequency, disease prevalence and penetrance estimates, and inheritance mode, an automated score was calculated to assess if this variant is too frequent to cause the disease. Based on the score and internal cut-off values, a variant classified as likely benign is not then subjected to further curation. The score for this variant resulted in a classification of likely benign for this disease.

Breakthrough Genomics
Classification: Likely benign. Review status: criteria provided, single submitter. Criteria: ACMG Guidelines, 2015. Collection method: not provided. Allele origin: germline. Inheritance: Autosomal recessive inheritance. Affected: yes.

NM_001256317.3(TMPRSS3):c.*246G>A

Gene: TMPRSS3 (transmembrane serine protease 3; minus strand). Cytogenetic location: 21q22.3.
Variant type: single nucleotide variant.
Coding change: c.*246G>A on transcript NM_001256317.3 (MANE Select); 246 bases downstream of the stop codon, G replaced by A.
Molecular consequence: 3 prime UTR variant.
Genome position (GRCh38, 1-based): chr21:42,372,516, C>T on the plus strand (G>A on the coding strand, the complement: TMPRSS3 is on the minus strand). VCF-style: chr21-42372516-C-T. GRCh37 (hg19) VCF-style: chr21-43792625-C-T.
Other names: c.*246G>A (NM_024022.4, NM_032404.3).
Identifiers: ClinVar variation 340052 (VCV000340052.8), dbSNP rs57692239, ClinGen allele CA10042165.